The following is an entry in ClinVar:

ClinVar aggregate classification (germline): Uncertain significance (1 of 4 stars; one submission).

Conditions:
Familial adenomatous polyposis 1 (FAP1). Also called: FAMILIAL ADENOMATOUS POLYPOSIS 1, ATTENUATED; POLYPOSIS, ADENOMATOUS INTESTINAL. Identifiers: MedGen C2713442, MONDO:0021056, OMIM 175100. Disease mechanism: loss of function.

Allele frequency attached by ClinVar (database versions not stated): gnomAD 0.00010.
gnomAD v4.1: 1 of 1,340,178 alleles (0.000075%); highest among the groups gnomAD compares: African/African-American, 0.0014%; no homozygotes.

Submission:

Labcorp Genetics (formerly Invitae), Labcorp
Classification: Uncertain significance for Familial adenomatous polyposis 1. Last evaluated: 2025-04-30. Review status: criteria provided, single submitter. Criteria: Invitae Variant Classification Sherloc (09022015). Collection method: clinical testing. Allele origin: germline.
Comment: This variant occurs in a non-coding region of the APC gene. It does not change the encoded amino acid sequence of the APC protein. This variant is present in population databases (no rsID available, gnomAD 0.01%). This variant has not been reported in the literature in individuals affected with APC-related conditions. ClinVar contains an entry for this variant (Variation ID: 537639). Experimental studies and prediction algorithms are not available or were not evaluated, and the functional significance of this variant is currently unknown. In summary, the available evidence is currently insufficient to determine the role of this variant in disease. Therefore, it has been classified as a Variant of Uncertain Significance.

NM_001127511.3(APC):c.-84T>C

Gene: APC (APC regulator of Wnt signaling pathway; plus strand). Cytogenetic location: 5q22.2.
Variant type: single nucleotide variant.
Coding change: c.-84T>C on transcript NM_001127511.3; 84 bases upstream of the start codon, T replaced by C.
Molecular consequence: 5 prime UTR variant. On other transcripts: non-coding transcript variant (2).
Genome position (GRCh38, 1-based): chr5:112,707,634, T>C. VCF-style: chr5-112707634-T-C. GRCh37 (hg19) VCF-style: chr5-112043331-T-C.
Other names: c.-267T>C (NM_001354895.2, NM_001407447.1, NM_001407452.1 and 3 more transcripts); c.-84T>C (NM_001354897.2, NM_001354902.2, NM_001407446.1); c.-34T>C (NM_001407448.1, NM_001407450.1, NM_001407457.1 and 1 more transcripts); c.-58T>C (NM_001407453.1); c.-1302T>C (NM_001407470.1, NM_001407472.1).
Identifiers: ClinVar variation 537639 (VCV000537639.8), dbSNP rs1340630542, ClinGen allele CA561890259.